The following is an entry in ClinVar:

ClinVar aggregate classification (germline): Pathogenic/Likely pathogenic. Review status: criteria provided, multiple submitters, no conflicts (2 of 4 stars). 6 submissions from 6 submitters: Pathogenic (1); Likely pathogenic (4). 1 of the submissions does not count toward it. Last evaluated 2024-12-02.

Conditions:
Inborn genetic diseases. Identifiers: MedGen C0950123, MeSH D030342.
Neural tube defects, folate-sensitive (NTDFS). Also called: NTD, FOLATE-SENSITIVE. Identifiers: Orphanet 823, MedGen C1866558, MONDO:0011120, OMIM 601634.
Methylcobalamin deficiency type cblE (HMAE). Also called: VITAMIN B12-RESPONSIVE HOMOCYSTINURIA, cblE TYPE; HOMOCYSTINURIA-MEGALOBLASTIC ANEMIA, cblE COMPLEMENTATION TYPE; HOMOCYSTINURIA-MEGALOBLASTIC ANEMIA, cblE TYPE. Identifiers: Orphanet 2169, Orphanet 622, MedGen C1856057, MONDO:0009354, OMIM 236270.

Allele frequency attached by ClinVar (database versions not stated): gnomAD exomes below 0.00001; TOPMed below 0.00001.
gnomAD v4.1: 3 of 1,614,192 alleles (0.00019%); highest among the groups gnomAD compares: Non-Finnish European, 0.00025%; no homozygotes.

Submissions (6):

Natera, Inc.
Classification: Likely pathogenic for CblE complementation type homocystinuria-megaloblastic anemia due to defect in cobalamin metabolism. Last evaluated: 2024-12-02. Review status: criteria provided, single submitter. Criteria: Natera Variant Classification Schema (03/2026). Collection method: clinical testing. Allele origin: germline.
Comment: The c.1459G>A variant in MTRR is a missense variant predicted to cause substitution of glycine to arginine at amino acid 487. This variant is rare in the general population with a frequency below the threshold expected for the associated phenotype(s). This variant has been observed in one or more individuals affected with the associated recessive disease, as either homozygous or compound heterozygous with a second variant (PMID: 12555939, 25526710, 10484769). This variant has been identified in one or more affected individuals with a phenotype highly consistent with the associated gene (PMID:12555939). Computational prediction algorithms indicate this variant is likely to affect gene or protein function. Given the available evidence, this variant is classified as Likely Pathogenic.

GeneDx
Classification: Likely pathogenic. Last evaluated: 2023-09-12. Review status: criteria provided, single submitter. Criteria: GeneDx Variant Classification Process June 2021. Collection method: clinical testing. Allele origin: germline. Affected: yes.
Comment: In silico analysis supports that this missense variant has a deleterious effect on protein structure/function; Not observed at significant frequency in large population cohorts (gnomAD); This variant is associated with the following publications: (PMID: 15714522, 12555939, 10484769, 28330790)

Labcorp Genetics (formerly Invitae), Labcorp
Classification: Likely pathogenic for Methylcobalamin deficiency type cblE. Last evaluated: 2023-08-28. Review status: criteria provided, single submitter. Criteria: Invitae Variant Classification Sherloc (09022015). Collection method: clinical testing. Allele origin: germline.
Comment: ClinVar contains an entry for this variant (Variation ID: 7030). In summary, the currently available evidence indicates that the variant is pathogenic, but additional data are needed to prove that conclusively. Therefore, this variant has been classified as Likely Pathogenic. Advanced modeling of protein sequence and biophysical properties (such as structural, functional, and spatial information, amino acid conservation, physicochemical variation, residue mobility, and thermodynamic stability) performed at Invitae indicates that this missense variant is expected to disrupt MTRR protein function. This missense change has been observed in individual(s) with cobalamin E deficiency (PMID: 10484769, 12555939). In at least one individual the data is consistent with being in trans (on the opposite chromosome) from a pathogenic variant. This variant is not present in population databases (gnomAD no frequency). This sequence change replaces glycine, which is neutral and non-polar, with arginine, which is basic and polar, at codon 487 of the MTRR protein (p.Gly487Arg).

Baylor Genetics
Classification: Likely pathogenic for Neural tube defects, folate-sensitive. Last evaluated: 2023-07-15. Review status: criteria provided, single submitter. Criteria: ACMG Guidelines, 2015. Collection method: clinical testing. Allele origin: unknown.

Ambry Genetics
Classification: Pathogenic for Inborn genetic diseases. Last evaluated: 2013-11-11. Review status: criteria provided, single submitter. Criteria: Ambry Autosomal Dominant and X-Linked criteria (10/2015). Collection method: clinical testing. Allele origin: germline. Observed: 1 variant allele.

OMIM
Classification: Pathogenic for HOMOCYSTINURIA-MEGALOBLASTIC ANEMIA, cblE COMPLEMENTATION TYPE. Last evaluated: 2002-10-01. Review status: no assertion criteria provided. Collection method: literature only. Allele origin: germline. Not counted in ClinVar's aggregate classification.

Literature cited by the submitters: PubMed 12555939 (cited by 3 submitters); PubMed 25526710 (cited by Natera, Inc.); PubMed 10484769 (cited by Natera, Inc. and Labcorp Genetics (formerly Invitae), Labcorp).

NM_002454.3(MTRR):c.1459G>A (p.Gly487Arg)

Gene: MTRR (5-methyltetrahydrofolate-homocysteine methyltransferase reductase; plus strand). Cytogenetic location: 5p15.31.
Variant type: single nucleotide variant.
Coding change: c.1459G>A on transcript NM_002454.3 (MANE Select); coding-DNA position 1459, G replaced by A.
Protein change: p.Gly487Arg; replaces glycine 487 with arginine.
Molecular consequence: missense variant. On other transcripts: non-coding transcript variant (14).
Genome position (GRCh38, 1-based): chr5:7,892,815, G>A. VCF-style: chr5-7892815-G-A. GRCh37 (hg19) VCF-style: chr5-7892928-G-A.
Other names: c.1459G>A, p.Gly487Arg (NM_001364440.2, NM_001364441.2, NM_001364442.2 and 1 more transcripts); short protein forms G487R.
Identifiers: ClinVar variation 7030 (VCV000007030.10), dbSNP rs137853061, ClinGen allele CA254073.